The following is an entry in ClinVar:

NM_000383.4(AIRE):c.485C>T (p.Pro162Leu)

Gene: AIRE (autoimmune regulator; plus strand). Cytogenetic location: 21q22.3.
Variant type: single nucleotide variant.
Coding change: c.485C>T on transcript NM_000383.4 (MANE Select); coding-DNA position 485, C replaced by T.
Protein change: p.Pro162Leu; replaces proline 162 with leucine.
Molecular consequence: missense variant.
Genome position (GRCh38, 1-based): chr21:44,287,538, C>T. VCF-style: chr21-44287538-C-T. GRCh37 (hg19) VCF-style: chr21-45707421-C-T.
Other names: short protein forms P162L.
Identifiers: ClinVar variation 576898 (VCV000576898.10), dbSNP rs138949170, ClinGen allele CA10051584.

ClinVar aggregate classification (germline): Uncertain significance. Review status: criteria provided, multiple submitters, no conflicts (2 of 4 stars). 4 submissions from 4 submitters: Uncertain significance (3). 1 of the submissions does not count toward it. Last evaluated 2026-01-07.

Conditions:
Polyglandular autoimmune syndrome, type 1 (APS1). Also called: Autoimmune polyendocrinopathy syndrome, type I; Autoimmune polyendocrinopathy syndrome , type I, with or without reversible metaphyseal dysplasia; HYPOADRENOCORTICISM WITH HYPOPARATHYROIDISM AND SUPERFICIAL MONILIASIS; Autoimmune polyendocrine syndrome type 1; PGA I; APS I. Identifiers: Orphanet 3453, MedGen C0085859, MONDO:0009411, OMIM 240300.

Allele frequency attached by ClinVar (database versions not stated): ESP Exome Variant Server 0.00008; TOPMed 0.00008; gnomAD 0.00009; gnomAD exomes 0.00013 and 0.00022; 1000 Genomes Project 30x 0.00016; 1000 Genomes Project 0.00020; ExAC 0.00020.
gnomAD v4.1: 315 of 1,558,190 alleles (0.02%); highest among the groups gnomAD compares: Non-Finnish European, 0.026%; no homozygotes.

Submissions (4):

Labcorp Genetics (formerly Invitae), Labcorp
Classification: Uncertain significance for Polyglandular autoimmune syndrome, type 1. Last evaluated: 2026-01-07. Review status: criteria provided, single submitter. Criteria: Invitae Variant Classification Sherloc (09022015). Collection method: clinical testing. Allele origin: germline.
Comment: This sequence change replaces proline, which is neutral and non-polar, with leucine, which is neutral and non-polar, at codon 162 of the AIRE protein (p.Pro162Leu). This variant is present in population databases (rs138949170, gnomAD 0.02%). This variant has not been reported in the literature in individuals affected with AIRE-related conditions. ClinVar contains an entry for this variant (Variation ID: 576898). Invitae Evidence Modeling of protein sequence and biophysical properties (such as structural, functional, and spatial information, amino acid conservation, physicochemical variation, residue mobility, and thermodynamic stability) indicates that this missense variant is not expected to disrupt AIRE protein function with a negative predictive value of 95%. In summary, the available evidence is currently insufficient to determine the role of this variant in disease. Therefore, it has been classified as a Variant of Uncertain Significance.

Blueprint Genetics
Classification: Uncertain significance. Last evaluated: 2024-05-10. Review status: criteria provided, single submitter. Criteria: ACMG Guidelines, 2015. Collection method: clinical testing. Allele origin: germline.

Victorian Clinical Genetics Services, Murdoch Childrens Research Institute
Classification: Uncertain significance for Polyglandular autoimmune syndrome, type 1. Last evaluated: 2020-05-26. Review status: criteria provided, single submitter. Criteria: ACMG Guidelines, 2015. Collection method: clinical testing. Allele origin: germline.
Comment: Based on the classification scheme VCGS_Germline_v1.1.1, this variant is classified as 3C-VUS. Following criteria are met: 0102 - Loss-of-function is a known mechanism of disease for this gene. (N) 0104 - Dominant Negative is a mechanism of disease for this gene. (N) 0108 - This gene is known to be associated with both recessive and dominant disease (OMIM). (N) 0200 - Variant is predicted to result in a missense amino acid change from proline to leucine (exon 4). (N) 0251 - Variant is heterozygous. (N) 0304 - Variant is present in gnomAD <0.01 for a recessive condition (25 heterozygotes, 0 homozygotes). (P) 0309 - An alternative amino acid change at the same position has been observed in gnomAD (1 heterozygote, 0 homozygotes). (N) 0504 - Same amino acid change has been observed in mammals. (B) 0604 - Variant is not located in an established domain, motif, hotspot or informative constraint region. (N) 0705 - No comparable variants have previous evidence for pathogenicity. (N) 0804 - Variant has previously been described as variant of uncertain significance in one individual (ClinVar). (N) 0905 - No segregation evidence has been identified for this variant. (N) 1007 - No published functional evidence has been identified for this variant. (N) 1208 - Inheritance information for this variant is not currently available. (N) Legend: (P) - Pathogenic, (N) - Neutral, (B) - Benign

Natera, Inc.
Classification: Uncertain significance for Polyglandular autoimmune syndrome type 1. Last evaluated: 2019-10-28. Review status: no assertion criteria provided. Collection method: clinical testing. Allele origin: germline. Not counted in ClinVar's aggregate classification.